The following is an entry in ClinVar:

NM_005560.6(LAMA5):c.8066C>T (p.Thr2689Met)

Gene: LAMA5 (laminin subunit alpha 5; minus strand). Cytogenetic location: 20q13.33.
Variant type: single nucleotide variant.
Coding change: c.8066C>T on transcript NM_005560.6 (MANE Select); coding-DNA position 8066, C replaced by T.
Protein change: p.Thr2689Met; replaces threonine 2689 with methionine.
Molecular consequence: missense variant.
Genome position (GRCh38, 1-based): chr20:62,314,929, G>A on the plus strand (C>T on the coding strand, the complement: LAMA5 is on the minus strand). VCF-style: chr20-62314929-G-A. GRCh37 (hg19) VCF-style: chr20-60889985-G-A.
Other names: c.8066C>T (NM_005560.3); short protein forms T2689M.
Identifiers: ClinVar variation 2051051 (VCV002051051.6), dbSNP rs147702216, ClinGen allele CA9940885.

ClinVar aggregate classification (germline): Conflicting classifications of pathogenicity. Review status: criteria provided, conflicting classifications (1 of 4 stars). 3 submissions from 3 submitters: Uncertain significance (2); Likely benign (1). Last evaluated 2025-05-19.

Conditions:
Inborn genetic diseases. Identifiers: MedGen C0950123, MeSH D030342.

Allele frequency attached by ClinVar (database versions not stated): gnomAD 0.00018; ESP Exome Variant Server 0.00038; ExAC 0.00008; TOPMed 0.00019; gnomAD exomes 0.00003.
gnomAD v4.1: 74 of 1,603,702 alleles (0.0046%); highest among the groups gnomAD compares: African/African-American, 0.065%; no homozygotes.

Submissions (3):

GeneDx
Classification: Uncertain significance. Last evaluated: 2025-05-19. Review status: criteria provided, single submitter. Criteria: GeneDx Variant Classification Process June 2021. Collection method: clinical testing. Allele origin: germline. Affected: yes.
Comment: In silico analysis supports that this missense variant has a deleterious effect on protein structure/function; Has not been previously published as pathogenic or benign to our knowledge

Ambry Genetics
Classification: Likely benign for Inborn genetic diseases. Last evaluated: 2024-04-19. Review status: criteria provided, single submitter. Criteria: Ambry Variant Classification Scheme 2023. Collection method: clinical testing. Allele origin: germline.

Labcorp Genetics (formerly Invitae), Labcorp
Classification: Uncertain significance. Last evaluated: 2022-07-29. Review status: criteria provided, single submitter. Criteria: Invitae Variant Classification Sherloc (09022015). Collection method: clinical testing. Allele origin: germline.
Comment: In summary, the available evidence is currently insufficient to determine the role of this variant in disease. Therefore, it has been classified as a Variant of Uncertain Significance. Algorithms developed to predict the effect of missense changes on protein structure and function are either unavailable or do not agree on the potential impact of this missense change (SIFT: "Deleterious"; PolyPhen-2: "Benign"; Align-GVGD: "Class C0"). This variant has not been reported in the literature in individuals affected with LAMA5-related conditions. This variant is present in population databases (rs147702216, gnomAD 0.05%). This sequence change replaces threonine, which is neutral and polar, with methionine, which is neutral and non-polar, at codon 2689 of the LAMA5 protein (p.Thr2689Met).